The following is an entry in ClinVar:

ClinVar aggregate classification (germline): Uncertain significance. Review status: criteria provided, multiple submitters, no conflicts (2 of 4 stars). 2 submissions from 2 submitters: Uncertain significance (2). Last evaluated 2026-08-20.

Conditions:
MRAP2-related disorder. Also called: MRAP2-related condition.

Allele frequency attached by ClinVar (database versions not stated): gnomAD exomes 0.00001 and 0.00002; ExAC 0.00002; gnomAD 0.00002; TOPMed 0.00002.
gnomAD v4.1: 12 of 1,614,066 alleles (0.00074%); highest among the groups gnomAD compares: Non-Finnish European, 0.00093%; no homozygotes.

Submissions (2):

PreventionGenetics, part of Exact Sciences
Classification: Uncertain significance for MRAP2-related condition. Last evaluated: 2026-08-20. Review status: criteria provided, single submitter. Criteria: ACMG Guidelines, 2015. Collection method: clinical testing. Allele origin: germline.
Comment: The MRAP2 c.409G>A variant is predicted to result in the amino acid substitution p.Ala137Thr. This variant has been reported in an individual with obesity but also present in their mother without a history of obesity (Schonnop et al 2016. PubMed ID: 27474872). This variant is reported in 0.0035% of alleles in individuals of European (Non-Finnish) descent in gnomAD. At this time, the clinical significance of this variant is uncertain due to the absence of conclusive functional and genetic evidence.

Labcorp Genetics (formerly Invitae), Labcorp
Classification: Uncertain significance. Last evaluated: 2022-09-26. Review status: criteria provided, single submitter. Criteria: Invitae Variant Classification Sherloc (09022015). Collection method: clinical testing. Allele origin: germline.
Comment: ClinVar contains an entry for this variant (Variation ID: 1494604). Algorithms developed to predict the effect of missense changes on protein structure and function (SIFT, PolyPhen-2, Align-GVGD) all suggest that this variant is likely to be tolerated. Experimental studies have shown that this missense change does not substantially affect MRAP2 function (PMID: 27474872). In summary, the available evidence is currently insufficient to determine the role of this variant in disease. Therefore, it has been classified as a Variant of Uncertain Significance. This missense change has been observed in individual(s) with elevated and normal body mass indices (BMI) (PMID: 27474872). This sequence change replaces alanine, which is neutral and non-polar, with threonine, which is neutral and polar, at codon 137 of the MRAP2 protein (p.Ala137Thr). This variant is present in population databases (rs761040997, gnomAD 0.004%).

Literature cited by the submitters: PubMed 27474872 (cited by Labcorp Genetics (formerly Invitae), Labcorp).

NM_138409.4(MRAP2):c.409G>A (p.Ala137Thr)

Gene: MRAP2 (melanocortin 2 receptor accessory protein 2; plus strand). Cytogenetic location: 6q14.2.
Variant type: single nucleotide variant.
Coding change: c.409G>A on transcript NM_138409.4 (MANE Select); coding-DNA position 409, G replaced by A.
Protein change: p.Ala137Thr; replaces alanine 137 with threonine.
Molecular consequence: missense variant.
Genome position (GRCh38, 1-based): chr6:84,089,272, G>A. VCF-style: chr6-84089272-G-A. GRCh37 (hg19) VCF-style: chr6-84798991-G-A.
Other names: c.409G>A (NM_138409.3); c.151G>A, p.Ala51Thr (NM_001346541.2); c.409G>A, p.Ala137Thr (NM_001346542.2, NM_001346544.2); c.244G>A, p.Ala82Thr (NM_001346543.2); short protein forms A137T, A51T, A82T.
Identifiers: ClinVar variation 1494604 (VCV001494604.10), dbSNP rs761040997, ClinGen allele CA3909655.